The following is an entry in ClinVar:

NM_015909.4(NBAS):c.4797+7C>T

Gene: NBAS (NBAS subunit of NRZ tethering complex; minus strand). Cytogenetic location: 2p24.3.
Variant type: single nucleotide variant.
Coding change: c.4797+7C>T on transcript NM_015909.4 (MANE Select); 7 bases into the intron after coding-DNA position 4797, C replaced by T.
Molecular consequence: intron variant.
Genome position (GRCh38, 1-based): chr2:15,308,209, G>A on the plus strand (C>T on the coding strand, the complement: NBAS is on the minus strand). VCF-style: chr2-15308209-G-A. GRCh37 (hg19) VCF-style: chr2-15448333-G-A.
Other names: c.4797+7C>T (NM_015909.3).
Identifiers: ClinVar variation 4767672 (VCV004767672.2).

ClinVar aggregate classification (germline): Likely benign. Review status: criteria provided, multiple submitters, no conflicts (2 of 4 stars). 2 submissions from 2 submitters: Likely benign (2). Last evaluated 2026-03-30.

Conditions:
NBAS-related disorder. Also called: NBAS-related condition.

gnomAD v4.1: 4 of 1,614,102 alleles (0.00025%); highest among the groups gnomAD compares: Admixed American, 0.0017%; no homozygotes.

Submissions (2):

PreventionGenetics, part of Exact Sciences
Classification: Likely benign for NBAS-related condition. Last evaluated: 2026-03-30. Review status: criteria provided, single submitter. Criteria: ACMG Guidelines, 2015. Collection method: clinical testing. Allele origin: germline.
Comment: This variant is classified as likely benign based on ACMG/AMP sequence variant interpretation guidelines (Richards et al. 2015 PMID: 25741868, with internal and published modifications).

Labcorp Genetics (formerly Invitae), Labcorp
Classification: Likely benign. Last evaluated: 2025-12-27. Review status: criteria provided, single submitter. Criteria: Invitae Variant Classification Sherloc (09022015). Collection method: clinical testing. Allele origin: germline.